The following is an entry in ClinVar:

NM_021098.3(CACNA1H):c.6179G>A (p.Arg2060His)

Gene: CACNA1H (calcium voltage-gated channel subunit alpha1 H; plus strand). Cytogenetic location: 16p13.3.
Variant type: single nucleotide variant.
Coding change: c.6179G>A on transcript NM_021098.3 (MANE Select); coding-DNA position 6179, G replaced by A.
Protein change: p.Arg2060His; replaces arginine 2060 with histidine.
Molecular consequence: missense variant.
Genome position (GRCh38, 1-based): chr16:1,220,111, G>A. VCF-style: chr16-1220111-G-A. GRCh37 (hg19) VCF-style: chr16-1270111-G-A.
Other names: c.6161G>A, p.Arg2054His (NM_001005407.2); short protein forms R2060H, R2054H.
Identifiers: ClinVar variation 96015 (VCV000096015.20), dbSNP rs1054644, ClinGen allele CA149153.

ClinVar aggregate classification (germline): Benign. Review status: criteria provided, multiple submitters, no conflicts (2 of 4 stars). 7 submissions from 7 submitters: Benign (7). Last evaluated 2026-02-04.

Conditions:
Hyperaldosteronism, familial, type IV (HALD4). Also called: FH IV; ALDOSTERONISM, PRIMARY, AND HYPERTENSION. Identifiers: Orphanet 642671, MedGen C4310756, MONDO:0014875, OMIM 617027.
Idiopathic generalized epilepsy. Also called: Generalised epilepsy; EIG. Identifiers: MedGen C0270850, MONDO:0005579, OMIM 600669.

Allele frequency attached by ClinVar (database versions not stated): gnomAD 0.08945 and 0.09409; gnomAD exomes 0.10808; 1000 Genomes Project 0.09046; ESP Exome Variant Server 0.09123; ExAC 0.17328; 1000 Genomes Project 30x 0.08823.
gnomAD v4.1: 187,988 of 1,483,932 alleles (13%); highest among the groups gnomAD compares: South Asian, 24%; 13,314 homozygotes.

Submissions (7):

Labcorp Genetics (formerly Invitae), Labcorp
Classification: Benign for Idiopathic generalized epilepsy; Hyperaldosteronism, familial, type IV. Last evaluated: 2026-02-04. Review status: criteria provided, single submitter. Criteria: Invitae Variant Classification Sherloc (09022015). Collection method: clinical testing. Allele origin: germline.

Blueprint Genetics
Classification: Benign. Last evaluated: 2024-11-27. Review status: criteria provided, single submitter. Criteria: ACMG Guidelines, 2015. Collection method: clinical testing. Allele origin: germline.

Mayo Clinic Laboratories, Mayo Clinic
Classification: Benign. Last evaluated: 2024-09-23. Review status: criteria provided, single submitter. Criteria: ACMG Guidelines, 2015. Collection method: clinical testing. Allele origin: germline. Observed: 20 variant alleles.
Comment: BA1, BS2

GeneDx
Classification: Benign. Last evaluated: 2018-08-07. Review status: criteria provided, single submitter. Criteria: GeneDx Variant Classification Process June 2021. Collection method: clinical testing. Allele origin: germline. Affected: yes.

Athena Diagnostics
Classification: Benign. Last evaluated: 2017-04-20. Review status: criteria provided, single submitter. Criteria: Athena Diagnostics Criteria. Collection method: clinical testing. Allele origin: germline.

Eurofins Ntd Llc (ga)
Classification: Benign. Last evaluated: 2013-07-05. Review status: criteria provided, single submitter. Criteria: EGL Classification Definitions 2015. Collection method: clinical testing. Allele origin: germline. Observed: 3 variant alleles, 3 heterozygotes.

Breakthrough Genomics
Classification: Benign. Review status: criteria provided, single submitter. Criteria: ACMG Guidelines, 2015. Collection method: not provided. Allele origin: germline. Inheritance: Autosomal dominant inheritance. Affected: yes.

Literature cited by the submitters: PubMed 36786913 (cited by Mayo Clinic Laboratories, Mayo Clinic).